The following is an entry in ClinVar:

NM_001378969.1(KCND3):c.988del (p.Met330fs)

Gene: KCND3 (potassium voltage-gated channel subfamily D member 3; minus strand). Cytogenetic location: 1p13.2.
Variant type: Deletion.
Coding change: c.988del on transcript NM_001378969.1 (MANE Select); coding-DNA position 988, one base deleted (A; older notation c.988delA).
Protein change: p.Met330fs; shifts the reading frame from methionine 330.
Molecular consequence: frameshift variant.
Genome position (GRCh38, 1-based): chr1:111,981,739, T deleted on the plus strand (A on the coding strand, the reverse complement: KCND3 is on the minus strand). VCF-style (leftmost placement, unchanged base first): chr1-111981738-AT-A. GRCh37 (hg19) VCF-style: chr1-112524360-AT-A.
Other names: c.988del, p.Met330fs (NM_001378970.1, NM_004980.5, NM_172198.3); c.988delA, p.Met330Trpfs (NM_004980.4); short protein forms M330fs.
Identifiers: ClinVar variation 4056032 (VCV004056032.1).

ClinVar aggregate classification (germline): Uncertain significance (1 of 4 stars; one submission).

Submission:

GeneDx
Classification: Uncertain significance. Last evaluated: 2025-01-07. Review status: criteria provided, single submitter. Criteria: GeneDx Variant Classification Process June 2021. Collection method: clinical testing. Allele origin: germline. Affected: yes.
Comment: Not observed at significant frequency in large population cohorts (gnomAD); Frameshift variant predicted to result in protein truncation or nonsense mediated decay in a gene or region of a gene for which loss of function is not a well-established mechanism of disease; Has not been previously published as pathogenic or benign to our knowledge